The following is an entry in ClinVar:

ClinVar aggregate classification (germline): Pathogenic (1 of 4 stars; one submission).

Conditions:
Interstitial lung disease due to ABCA3 deficiency. Also called: PULMONARY ALVEOLAR PROTEINOSIS, CONGENITAL, 3. Identifiers: Orphanet 440402, MedGen C1970456, MONDO:0012582, OMIM 610921.

Submission:

Myriad Genetics, Inc.
Classification: Pathogenic for Interstitial lung disease due to ABCA3 deficiency. Last evaluated: 2025-08-09. Review status: criteria provided, single submitter. Criteria: Myriad Autosomal Dominant, Autosomal Recessive and X-Linked Classification Criteria (2023). Collection method: clinical testing. Allele origin: unknown.
Comment: NM_001089.2(ABCA3):c.2259delA(K753Nfs*8) is expected to be pathogenic in the context of surfactant deficiency, ABCA3-related. This variant is predicted to lead to an abnormal or absent protein product due to the creation of a premature termination codon in ABCA3, a gene where loss-of-function variants are known to be pathogenic. Please note: this variant was assessed in the context of healthy population screening.

NM_001089.3(ABCA3):c.2259del (p.Lys753fs)

Gene: ABCA3 (ATP binding cassette subfamily A member 3; minus strand). Cytogenetic location: 16p13.3.
Variant type: Deletion.
Coding change: c.2259del on transcript NM_001089.3 (MANE Select); coding-DNA position 2259, one base deleted (A; older notation c.2259delA).
Protein change: p.Lys753fs; shifts the reading frame from lysine 753.
Molecular consequence: frameshift variant.
Genome position (GRCh38, 1-based): chr16:2,297,333, T deleted on the plus strand (A on the coding strand, the reverse complement: ABCA3 is on the minus strand); the first of 3 consecutive T bases (chr16:2,297,333-2,297,335); deleting any one gives the same sequence. VCF-style (leftmost placement, unchanged base first): chr16-2297332-AT-A. GRCh37 (hg19) VCF-style: chr16-2347333-AT-A.
Other names: short protein forms K753fs.
Identifiers: ClinVar variation 5014842 (VCV005014842.1).